The following is an entry in ClinVar:

NM_001330078.2(NRXN1):c.3244+1G>T

Gene: NRXN1 (neurexin 1; minus strand). Cytogenetic location: 2p16.3.
Variant type: single nucleotide variant.
Coding change: c.3244+1G>T on transcript NM_001330078.2 (MANE Select); the canonical splice donor site of the intron after coding-DNA position 3244, G replaced by T.
Molecular consequence: splice donor variant.
Genome position (GRCh38, 1-based): chr2:50,472,297, C>A on the plus strand (G>T on the coding strand, the complement: NRXN1 is on the minus strand). VCF-style: chr2-50472297-C-A. GRCh37 (hg19) VCF-style: chr2-50699435-C-A.
Other names: c.3133+1G>T (NM_001330096.2, NM_001330087.2); c.3178+1G>T (NM_001330083.2, NM_001330084.2); c.3163+1G>T (NM_001330088.2); c.3241+1G>T (NM_001330093.2); c.3232+1G>T (NM_001330094.2); c.3193+1G>T (NM_001330095.2); c.3220+1G>T (NM_001330082.2, NM_001330077.2); c.3217+1G>T (NM_001330085.2); and 2 more.
Identifiers: ClinVar variation 4710698 (VCV004710698.1).

ClinVar aggregate classification (germline): Likely pathogenic (1 of 4 stars; one submission).

Conditions:
Pitt-Hopkins-like syndrome 2 (PTHSL2). Identifiers: Orphanet 221150, Orphanet 600663, MedGen C3280479, MONDO:0013690, OMIM 614325.

Submission:

Labcorp Genetics (formerly Invitae), Labcorp
Classification: Likely pathogenic for Pitt-Hopkins-like syndrome 2. Last evaluated: 2025-03-12. Review status: criteria provided, single submitter. Criteria: Invitae Variant Classification Sherloc (09022015). Collection method: clinical testing. Allele origin: germline.
Comment: This sequence change affects a donor splice site in intron 17 of the NRXN1 gene. It is expected to disrupt RNA splicing. Variants that disrupt the donor or acceptor splice site typically lead to a loss of protein function (PMID: 16199547), and loss-of-function variants in NRXN1 are known to be pathogenic (PMID: 19896112, 21964664, 23495017, 23533028, 25149956, 30031152). This variant is not present in population databases (gnomAD no frequency). Disruption of this splice site has been observed in individual(s) with autism (PMID: 36368308). Algorithms developed to predict the effect of sequence changes on RNA splicing suggest that this variant may disrupt the consensus splice site. In summary, the currently available evidence indicates that the variant is pathogenic, but additional data are needed to prove that conclusively. Therefore, this variant has been classified as Likely Pathogenic.

Literature cited by the submitters: PubMed 16199547; PubMed 19896112; PubMed 21964664; PubMed 23495017; PubMed 23533028; PubMed 25149956; PubMed 30031152; PubMed 36368308.